The following is an entry in ClinVar:

ClinVar aggregate classification (germline): Likely benign. Review status: criteria provided, single submitter (1 of 4 stars). 2 submissions from 2 submitters: Likely benign (1). 1 of the submissions does not count toward it. Last evaluated 2021-01-12.

Conditions:
AR-related disorder. Also called: AR-related condition.

Submissions (2):

GeneDx
Classification: Likely benign. Last evaluated: 2021-01-12. Review status: criteria provided, single submitter. Criteria: GeneDx Variant Classification Process June 2021. Collection method: clinical testing. Allele origin: germline. Affected: yes.

PreventionGenetics, part of Exact Sciences
Classification: Benign for AR-related condition. Last evaluated: 2019-06-07. Review status: no assertion criteria provided. Collection method: clinical testing. Allele origin: germline. Not counted in ClinVar's aggregate classification.
Comment: This variant is classified as benign based on ACMG/AMP sequence variant interpretation guidelines (Richards et al. 2015 PMID: 25741868, with internal and published modifications).

NM_000044.6(AR):c.171GCA[34] (p.Gln70_Gln80dup)

Genes: AR (androgen receptor; plus strand), LOC109504725 (androgen receptor repeat instability region; plus strand). Cytogenetic location: Xq12.
Variant type: Microsatellite.
Coding change: c.171GCA[34] on transcript NM_000044.6 (MANE Select); 34 copies in a row of the 3-base unit GCA starting at c.171; the reference has 23 copies in a row; 11 copies, 33 bases duplicated.
Protein change: p.Gln70_Gln80dup.
Molecular consequence: inframe insertion. On other transcripts: 5 prime UTR variant (1).
Genome position (GRCh38, 1-based): chrX:67,545,353-67,545,385, 33 bases duplicated; duplicating any 33 consecutive bases within chrX:67,545,317-67,545,385 gives the same sequence; the position shown is the placement nearest the transcript's 3' end. GRCh37 (hg19), VCF-style position (the base before the change): chrX:66,765,158.
Other names: c.-1613GCA[34] (NM_001011645.3); c.171GCA[34], p.Gln70_Gln80dup (NM_001348061.1, NM_001348063.1, NM_001348064.1); c.207_239dup33 (NM_000044.3).
Identifiers: ClinVar variation 1200448 (VCV001200448.5), dbSNP rs3032358, ClinGen allele CA920417014.